The following is an entry in ClinVar:

NM_014209.4(ETV2):c.350del (p.Gly117fs)

Genes: ETV2 (ETS variant transcription factor 2; plus strand), LOC130064247 (ATAC-STARR-seq lymphoblastoid silent region 10530; plus strand). Cytogenetic location: 19q13.12.
Variant type: Deletion.
Coding change: c.350del on transcript NM_014209.4 (MANE Select); coding-DNA position 350, one base deleted (G; older notation c.350delG).
Protein change: p.Gly117fs; shifts the reading frame from glycine 117.
Molecular consequence: frameshift variant. On other transcripts: intron variant (1).
Genome position (GRCh38, 1-based): chr19:35,643,388, G deleted; the last of 3 consecutive G bases (chr19:35,643,386-35,643,388); deleting any one gives the same sequence. VCF-style (leftmost placement, unchanged base first): chr19-35643385-CG-C. GRCh37 (hg19) VCF-style: chr19-36134287-CG-C.
Other names: c.71del, p.Gly24fs (NM_001300974.2); c.154+690del (NM_001304549.2); short protein forms G117fs, G24fs.
Identifiers: ClinVar variation 1162784 (VCV001162784.2), dbSNP rs755996862, ClinGen allele CA9382912.

ClinVar aggregate classification (germline): Likely pathogenic (0 of 4 stars; one submission).

Conditions:
Hypoplastic left heart syndrome. Also called: Hypoplastic left ventricle; Hypoplastic left heart. Identifiers: Orphanet 2248, MedGen C0152101, MONDO:0004933, HP:0004383.
Abnormal heart morphology. Also called: Abnormality of cardiac morphology; Heart, malformation of. Identifiers: MedGen C0018798, MeSH D006330, HP:0001627.
Polydactyly. Also called: polydactylism. Identifiers: MedGen C0152427, MONDO:0021003, OMIM 603596, HP:0010442.
Abnormal vertebral morphology. Also called: vertebral anomalies. Identifiers: MedGen C1834129, HP:0003468.

Submission:

The Raphael Recanati Genetics Institute, Rabin Medical Center
Classification: Likely pathogenic for Abnormal heart morphology; Abnormal vertebral morphology; Hypoplastic left heart syndrome; Polydactyly. Review status: no assertion criteria provided. Collection method: clinical testing. Allele origin: germline. Inheritance: Autosomal recessive inheritance. Affected: yes. Observed: 4 variant alleles, 4 compound heterozygotes.
Comment: This variant, NM_014209.2:c.350del, was observed in compound heterozygosity with NM_014209.2:c.757G>T

Literature cited by the submitters: PubMed 33359164.